The following is an entry in ClinVar:

ClinVar aggregate classification (germline): Conflicting classifications of pathogenicity. Review status: criteria provided, conflicting classifications (1 of 4 stars). 2 submissions from 2 submitters: Uncertain significance (1); Likely benign (1). Last evaluated 2025-06-03.

Conditions:
Retinoblastoma (RB1). Also called: RETINOBLASTOMA, SOMATIC. Identifiers: Orphanet 790, MedGen C0035335, MeSH D012175, MONDO:0008380, OMIM 180200, HP:0009919. Disease mechanism: loss of function. Inheritance: Both sporadic and heritable forms are tested..
Hereditary cancer-predisposing syndrome. Also called: Hereditary Cancer Syndrome; Tumor predisposition; Hereditary neoplastic syndrome; Neoplastic Syndromes, Hereditary. Identifiers: Orphanet 140162, MedGen C0027672, MeSH D009386, MONDO:0015356.

Allele frequency attached by ClinVar (database versions not stated): gnomAD exomes below 0.00001 and 0.00001; ExAC 0.00002.
gnomAD v4.1: 3 of 1,607,184 alleles (0.00019%); highest among the groups gnomAD compares: South Asian, 0.0033%; no homozygotes.

Submissions (2):

Labcorp Genetics (formerly Invitae), Labcorp
Classification: Uncertain significance for Retinoblastoma. Last evaluated: 2025-06-03. Review status: criteria provided, single submitter. Criteria: Invitae Variant Classification Sherloc (09022015). Collection method: clinical testing. Allele origin: germline.
Comment: This sequence change replaces alanine, which is neutral and non-polar, with glutamic acid, which is acidic and polar, at codon 902 of the RB1 protein (p.Ala902Glu). This variant is present in population databases (rs781740936, gnomAD 0.007%). This variant has not been reported in the literature in individuals affected with RB1-related conditions. ClinVar contains an entry for this variant (Variation ID: 1418510). Invitae Evidence Modeling of protein sequence and biophysical properties (such as structural, functional, and spatial information, amino acid conservation, physicochemical variation, residue mobility, and thermodynamic stability) has been performed for this missense variant. However, the output from this modeling did not meet the statistical confidence thresholds required to predict the impact of this variant on RB1 protein function. In summary, the available evidence is currently insufficient to determine the role of this variant in disease. Therefore, it has been classified as a Variant of Uncertain Significance.

Ambry Genetics
Classification: Likely benign for Hereditary cancer-predisposing syndrome. Last evaluated: 2023-10-08. Review status: criteria provided, single submitter. Criteria: Ambry Variant Classification Scheme 2023. Collection method: clinical testing. Allele origin: germline.

NM_000321.3(RB1):c.2705C>A (p.Ala902Glu)

Gene: RB1 (RB transcriptional corepressor 1; plus strand). Cytogenetic location: 13q14.2.
Variant type: single nucleotide variant.
Coding change: c.2705C>A on transcript NM_000321.3 (MANE Select); coding-DNA position 2705, C replaced by A.
Protein change: p.Ala902Glu; replaces alanine 902 with glutamic acid.
Molecular consequence: missense variant.
Genome position (GRCh38, 1-based): chr13:48,477,396, C>A. VCF-style: chr13-48477396-C-A. GRCh37 (hg19) VCF-style: chr13-49051532-C-A.
Other names: c.2705C>A (NM_000321.2); short protein forms A902E.
Identifiers: ClinVar variation 1418510 (VCV001418510.7), dbSNP rs781740936, ClinGen allele CA037124.